The following is an entry in ClinVar:

NC_000001.10:g.(?_161326457)_(161326640_?)dup

Gene: SDHC (succinate dehydrogenase complex subunit C; plus strand). Cytogenetic location: 1q23.3.
Variant type: Duplication.
Identifiers: ClinVar variation 2424600 (VCV002424600.13).

ClinVar aggregate classification (germline): Likely pathogenic (1 of 4 stars; one submission).

Conditions:
Gastrointestinal stromal tumor. Also called: Gastrointestinal stroma tumor; Gastrointestinal stromal tumor, somatic. Identifiers: Orphanet 44890, MedGen C0238198, MeSH D046152, MONDO:0011719, OMIM 606764, HP:0100723.
Pheochromocytoma/paraganglioma syndrome 3. Also called: GLOMUS TUMORS, FAMILIAL, 3; Paragangliomas 3; SDHC-Related Hereditary Paraganglioma-Pheochromocytoma Syndrome (Paragangliomas 3); SDHC-Related Hereditary Paraganglioma-Pheochromocytoma Syndrome. Identifiers: Orphanet 29072, MedGen C1854336, MONDO:0011544, OMIM 605373.

Submission:

Labcorp Genetics (formerly Invitae), Labcorp
Classification: Likely pathogenic for Pheochromocytoma/paraganglioma syndrome 3; Gastrointestinal stromal tumor. Last evaluated: 2022-09-06. Review status: criteria provided, single submitter. Criteria: Invitae Variant Classification Sherloc (09022015). Collection method: clinical testing. Allele origin: germline.
Comment: In summary, the currently available evidence indicates that the variant is pathogenic, but additional data are needed to prove that conclusively. Therefore, this variant has been classified as Likely Pathogenic. This variant has not been reported in the literature in individuals affected with SDHC-related conditions. This variant results in a copy number gain of the genomic region encompassing exon(s) 5 of the SDHC gene. While the exact position of this variant cannot be determined from the data, sub-genic copy number gains are generally in tandem (PMID: 25640679). This variant is predicted to be out-of-frame, and may result in an absent or disrupted protein product. Loss-of-function variants in SDHC are known to be pathogenic (PMID: 17667967, 19454582, 23282968, 24758179).

Literature cited by the submitters: PubMed 25640679; PubMed 17667967; PubMed 19454582; PubMed 23282968; PubMed 24758179.